The following is an entry in ClinVar:

NM_001199107.2(TBC1D24):c.1075G>C (p.Glu359Gln)

Gene: TBC1D24 (TBC1 domain family member 24; plus strand). Cytogenetic location: 16p13.3.
Variant type: single nucleotide variant.
Coding change: c.1075G>C on transcript NM_001199107.2 (MANE Select); coding-DNA position 1075, G replaced by C.
Protein change: p.Glu359Gln; replaces glutamic acid 359 with glutamine.
Molecular consequence: missense variant.
Genome position (GRCh38, 1-based): chr16:2,498,329, G>C. VCF-style: chr16-2498329-G-C. GRCh37 (hg19) VCF-style: chr16-2548330-G-C.
Other names: c.1057G>C, p.Glu353Gln (NM_020705.3); short protein forms E353Q, E359Q.
Identifiers: ClinVar variation 853865 (VCV000853865.10), dbSNP rs762442022, ClinGen allele CA394378781.

ClinVar aggregate classification (germline): Uncertain significance (1 of 4 stars; one submission).

Conditions:
Developmental and epileptic encephalopathy, 1 (DEE1). Also called: INFANTILE SPASM SYNDROME, X-LINKED 1; X-linked infantile spasms; West's syndrome; Tonic spasms with clustering, arrest of psychomotor development and hypsarrhythmia on EEG; X-Linked Infantile Spasm Syndrome; OHTAHARA SYNDROME, X-LINKED. Identifiers: MedGen C3463992, MONDO:0010632, OMIM 308350. Disease mechanism: loss of function.
Autosomal dominant nonsyndromic hearing loss 65. Also called: TBC1D24-Related Autosomal Dominant Nonsyndromic Hearing Loss (DFNA); Deafness, autosomal dominant 65. Identifiers: Orphanet 90635, MedGen C3892048, MONDO:0014470, OMIM 616044.

Allele frequency attached by ClinVar (database versions not stated): gnomAD 0.00001.

Submission:

Labcorp Genetics (formerly Invitae), Labcorp
Classification: Uncertain significance for Developmental and epileptic encephalopathy, 1; Autosomal dominant nonsyndromic hearing loss 65. Last evaluated: 2025-12-16. Review status: criteria provided, single submitter. Criteria: Invitae Variant Classification Sherloc (09022015). Collection method: clinical testing. Allele origin: germline.
Comment: This sequence change replaces glutamic acid, which is acidic and polar, with glutamine, which is neutral and polar, at codon 359 of the TBC1D24 protein (p.Glu359Gln). This variant is present in population databases (no rsID available, gnomAD 0.007%). This variant has not been reported in the literature in individuals affected with TBC1D24-related conditions. ClinVar contains an entry for this variant (Variation ID: 853865). Invitae Evidence Modeling of protein sequence and biophysical properties (such as structural, functional, and spatial information, amino acid conservation, physicochemical variation, residue mobility, and thermodynamic stability) has been performed for this missense variant. However, the output from this modeling did not meet the statistical confidence thresholds required to predict the impact of this variant on TBC1D24 protein function. In summary, the available evidence is currently insufficient to determine the role of this variant in disease. Therefore, it has been classified as a Variant of Uncertain Significance.